The following is an entry in ClinVar:

ClinVar aggregate classification (germline): Uncertain significance. Review status: criteria provided, multiple submitters, no conflicts (2 of 4 stars). 2 submissions from 2 submitters: Uncertain significance (2). Last evaluated 2024-08-06.

Submissions (2):

GeneDx
Classification: Uncertain significance. Last evaluated: 2024-08-06. Review status: criteria provided, single submitter. Criteria: GeneDx Variant Classification Process June 2021. Collection method: clinical testing. Allele origin: germline. Affected: yes.
Comment: Not observed at significant frequency in large population cohorts (gnomAD); In silico analysis indicates that this missense variant does not alter protein structure/function; Has not been previously published as pathogenic or benign to our knowledge

Labcorp Genetics (formerly Invitae), Labcorp
Classification: Uncertain significance. Last evaluated: 2023-08-20. Review status: criteria provided, single submitter. Criteria: Invitae Variant Classification Sherloc (09022015). Collection method: clinical testing. Allele origin: germline.
Comment: This sequence change replaces glycine, which is neutral and non-polar, with alanine, which is neutral and non-polar, at codon 1072 of the CDK13 protein (p.Gly1072Ala). This variant is not present in population databases (gnomAD no frequency). This variant has not been reported in the literature in individuals affected with CDK13-related conditions. Advanced modeling of protein sequence and biophysical properties (such as structural, functional, and spatial information, amino acid conservation, physicochemical variation, residue mobility, and thermodynamic stability) performed at Invitae indicates that this missense variant is not expected to disrupt CDK13 protein function. In summary, the available evidence is currently insufficient to determine the role of this variant in disease. Therefore, it has been classified as a Variant of Uncertain Significance.

NM_003718.5(CDK13):c.3215G>C (p.Gly1072Ala)

Gene: CDK13 (cyclin dependent kinase 13; plus strand). Cytogenetic location: 7p14.1.
Variant type: single nucleotide variant.
Coding change: c.3215G>C on transcript NM_003718.5 (MANE Select); coding-DNA position 3215, G replaced by C.
Protein change: p.Gly1072Ala; replaces glycine 1072 with alanine.
Molecular consequence: missense variant.
Genome position (GRCh38, 1-based): chr7:40,088,311, G>C. VCF-style: chr7-40088311-G-C. GRCh37 (hg19) VCF-style: chr7-40127910-G-C.
Other names: c.3215G>C, p.Gly1072Ala (NM_031267.4); short protein forms G1072A.
Identifiers: ClinVar variation 2841323 (VCV002841323.4), dbSNP rs2484055402, ClinGen allele CA367293660.